The following is an entry in ClinVar:

NM_015896.4(ZMYND10):c.692G>A (p.Arg231Gln)

Gene: ZMYND10 (zinc finger MYND-type containing 10; minus strand). Cytogenetic location: 3p21.31.
Variant type: single nucleotide variant.
Coding change: c.692G>A on transcript NM_015896.4 (MANE Select); coding-DNA position 692, G replaced by A.
Protein change: p.Arg231Gln; replaces arginine 231 with glutamine.
Molecular consequence: missense variant. On other transcripts: intron variant (1).
Genome position (GRCh38, 1-based): chr3:50,342,926, C>T on the plus strand (G>A on the coding strand, the complement: ZMYND10 is on the minus strand). VCF-style: chr3-50342926-C-T. GRCh37 (hg19) VCF-style: chr3-50380357-C-T.
Other names: c.599+192G>A (NM_001308379.2); short protein forms R231Q.
Identifiers: ClinVar variation 1358961 (VCV001358961.5), dbSNP rs773115830, ClinGen allele CA2417129.
Genomic context (GRCh38, chr3:50,342,926, plus strand): 5'-AGATACCCTGAAGCAGTAGCCTGGGGCTTAGGCTGGTGGGGGAGGACCCTACCTCCTTCC[C>T]GCCGGCTCCAGGGACTATGCTCCAGCAGTTCCACCAGGAGGCAGGGCAGGTTGTGTGTGC-3'
Protein context (NP_056980.2, residues 221-241): ELLEHSPWSR[Arg231Gln]EGGKLQQFEG

ClinVar aggregate classification (germline): Uncertain significance (1 of 4 stars; one submission).

Conditions:
Primary ciliary dyskinesia. Also called: Ciliary dyskinesia. Identifiers: Orphanet 244, MedGen C0008780, MONDO:0016575, HP:0012265.

Allele frequency attached by ClinVar (database versions not stated): gnomAD exomes 0.00002 and 0.00004; ExAC 0.00003; gnomAD 0.00003 and 0.00004; TOPMed 0.00003.
gnomAD v4.1: 62 of 1,613,756 alleles (0.0038%); highest among the groups gnomAD compares: East Asian, 0.013%; no homozygotes.

Submission:

Labcorp Genetics (formerly Invitae), Labcorp
Classification: Uncertain significance for Primary ciliary dyskinesia. Last evaluated: 2021-08-14. Review status: criteria provided, single submitter. Criteria: Invitae Variant Classification Sherloc (09022015). Collection method: clinical testing. Allele origin: germline.
Comment: This sequence change replaces arginine with glutamine at codon 231 of the ZMYND10 protein (p.Arg231Gln). The arginine residue is weakly conserved and there is a small physicochemical difference between arginine and glutamine. This variant is present in population databases (rs773115830, ExAC 0.006%). This variant has not been reported in the literature in individuals affected with ZMYND10-related conditions. Algorithms developed to predict the effect of missense changes on protein structure and function output the following: SIFT: "Tolerated"; PolyPhen-2: "Benign"; Align-GVGD: "Class C0". The glutamine amino acid residue is found in multiple mammalian species, which suggests that this missense change does not adversely affect protein function. In summary, the available evidence is currently insufficient to determine the role of this variant in disease. Therefore, it has been classified as a Variant of Uncertain Significance.